The following is an entry in ClinVar:

ClinVar aggregate classification (germline): Benign. Review status: reviewed by expert panel (3 of 4 stars). 20 submissions from 20 submitters: Benign (1). 19 of the submissions do not count toward it. Last evaluated 2023-02-08.

Conditions:
GAMT-related disorder. Also called: GAMT-related condition.
Inborn genetic diseases. Identifiers: MedGen C0950123, MeSH D030342.
Cerebral creatine deficiency syndrome. Also called: Creatine deficiency syndromes. Identifiers: Orphanet 79172, MedGen C5244016, MONDO:0000456.
Deficiency of guanidinoacetate methyltransferase (CCDS2). Also called: CEREBRAL CREATINE DEFICIENCY SYNDROME 2; GAMT DEFICIENCY; Guanidinoacetate Methyltransferase (GAMT) Deficiency. Identifiers: Orphanet 382, MedGen C0574080, MONDO:0012999, OMIM 612736.
Intellectual disability. Also called: Intellectual developmental disorder; Intellectual functioning disability; intellectual disabilities. Identifiers: MedGen C3714756, MeSH D008607, MONDO:0001071, HP:0001249.

Allele frequency attached by ClinVar (database versions not stated): gnomAD exomes 0.00458 and 0.00282; ExAC 0.00268; gnomAD 0.00335 and 0.00345; TOPMed 0.00357; 1000 Genomes Project 30x 0.00265; ESP Exome Variant Server 0.00200; 1000 Genomes Project 0.00300.
gnomAD v4.1: 6,505 of 1,465,512 alleles (0.44%); highest among the groups gnomAD compares: Non-Finnish European, 0.53%; 22 homozygotes.

Submissions (20):

ClinGen Cerebral Creatine Deficiency Syndromes Variant Curation Expert Panel, ClinGen
Classification: Benign for Deficiency of guanidinoacetate methyltransferase. Last evaluated: 2023-02-08. Review status: reviewed by expert panel. Criteria: ClinGen_CCDS_ACMG_Specifications_GAMT_v1.1. Collection method: curation. Allele origin: germline. Inheritance: Autosomal recessive inheritance.
Comment: NM_000156.6:c.79T>C variant in GAMT is a missense variant that is predicted to result in the substitution of tyrosine by histidine at amino acid 27 (p.Tyr27His). This variant was identified in the homozygous state in an individual with normal GAMT enzyme activity in fibroblasts (PMID: 24415674). The variant is present in gnomAD v2.1.1. at a maximum population frequency of 0.00471 (>0.003, cutoff for BA1) and found in the homozygous state in 2 individuals in gnomAD v2.1.1 (BA1). In fibroblasts, overexpressing the GAMT c.79T>C (p.Tyr27His) variant, restored GAMT activity to similar levels as the wild-type GAMT transfection (PMID: 24415674)(BS3_Supporting). There is a ClinVar entry for this variant (Variation ID: 167131). In summary, this variant meets the criteria to be classified as benign for GAMT deficiency. GAMT-specific ACMG/AMP criteria met, based on the specifications of the ClinGen Cerebral Creatine Deficiencies VCEP (Specifications Version 1.1.0): BA1, BS3_Supporting. (Classification approved by the ClinGen CCDS VCEP on February 8, 2023).

CeGaT Center for Human Genetics Tuebingen
Classification: Likely benign. Last evaluated: 2026-08-01. Review status: criteria provided, single submitter. Criteria: CeGaT Center For Human Genetics Tuebingen Variant Classification Criteria Version 2. Collection method: clinical testing. Allele origin: germline. Affected: yes. Observed: 25 variant alleles. Not counted in ClinVar's aggregate classification.
Comment: GAMT: PP3, BS2

Labcorp Genetics (formerly Invitae), Labcorp
Classification: Benign for Cerebral creatine deficiency syndrome. Last evaluated: 2026-02-04. Review status: criteria provided, single submitter. Criteria: Invitae Variant Classification Sherloc (09022015). Collection method: clinical testing. Allele origin: germline. Not counted in ClinVar's aggregate classification.

Laboratory of Genetics, Children's Clinical University Hospital Latvia
Classification: Benign. Last evaluated: 2025-02-16. Review status: criteria provided, single submitter. Criteria: ACMG Guidelines, 2015. Collection method: clinical testing. Allele origin: germline. Affected: yes. Not counted in ClinVar's aggregate classification.

Blueprint Genetics
Classification: Likely benign. Last evaluated: 2024-11-28. Review status: criteria provided, single submitter. Criteria: ACMG Guidelines, 2015. Collection method: clinical testing. Allele origin: germline. Not counted in ClinVar's aggregate classification.

Mayo Clinic Laboratories, Mayo Clinic
Classification: Benign. Last evaluated: 2023-07-06. Review status: criteria provided, single submitter. Criteria: ACMG Guidelines, 2015. Collection method: clinical testing. Allele origin: germline. Observed: 12 variant alleles. Not counted in ClinVar's aggregate classification.
Comment: BS1, BS3

Women's Health and Genetics/Laboratory Corporation of America, LabCorp
Classification: Benign. Last evaluated: 2023-02-13. Review status: criteria provided, single submitter. Criteria: LabCorp Variant Classification Summary - May 2015. Collection method: clinical testing. Allele origin: germline. Not counted in ClinVar's aggregate classification.
Comment: Variant summary: GAMT c.79T>C (p.Tyr27His) results in a conservative amino acid change in the encoded protein sequence. Four of five in-silico tools predict a damaging effect of the variant on protein function. The variant allele was found at a frequency of 0.0028 in 86858 control chromosomes in the gnomAD database, including 1 homozygotes. The observed variant frequency is approximately 3 fold of the estimated maximal expected allele frequency for a pathogenic variant in GAMT causing Cerebral Creatine Deficiency Syndrome 2 phenotype (0.0011), strongly suggesting that the variant is benign. To our knowledge, no occurrence of c.79T>C in individuals affected with Cerebral Creatine Deficiency Syndrome 2 and no experimental evidence demonstrating its impact on protein function have been reported. 11 clinical diagnostic laboratories have submitted clinical-significance assessments for this variant to ClinVar after 2014 without evidence for independent evaluation. Multiple laboratories reported the variant with conflicting assessments (likely pathogenic n=1, VUS n=2, likely benign n=3, benign n=5). Based on the evidence outlined above, the variant was classified as benign.

Athena Diagnostics
Classification: Benign. Last evaluated: 2019-03-19. Review status: criteria provided, single submitter. Criteria: Athena Diagnostics Criteria. Collection method: clinical testing. Allele origin: germline. Not counted in ClinVar's aggregate classification.

Ambry Genetics
Classification: Likely benign for Inborn genetic diseases. Last evaluated: 2018-11-03. Review status: criteria provided, single submitter. Criteria: Ambry Variant Classification Scheme 2023. Collection method: clinical testing. Allele origin: germline. Not counted in ClinVar's aggregate classification.

GeneDx
Classification: Benign. Last evaluated: 2018-02-15. Review status: criteria provided, single submitter. Criteria: GeneDx Variant Classification (06012015). Collection method: clinical testing. Allele origin: germline. Affected: yes. Not counted in ClinVar's aggregate classification.
Comment: This variant is considered likely benign or benign based on one or more of the following criteria: it is a conservative change, it occurs at a poorly conserved position in the protein, it is predicted to be benign by multiple in silico algorithms, and/or has population frequency not consistent with disease.

Illumina Laboratory Services, Illumina
Classification: Uncertain significance for Deficiency of guanidinoacetate methyltransferase. Last evaluated: 2017-04-27. Review status: criteria provided, single submitter. Criteria: ICSL Variant Classification Criteria 13 December 2019. Collection method: clinical testing. Allele origin: germline. Not counted in ClinVar's aggregate classification.
Comment: This variant was observed as part of a predisposition screen in an ostensibly healthy population. A literature search was performed for the gene, cDNA change, and amino acid change (where applicable). Publications were found based on this search. However, the evidence from the literature, in combination with allele frequency data from public databases where available, was not sufficient to rule this variant in or out of causing disease. Therefore, this variant is classified as a variant of unknown significance.

Eurofins Ntd Llc (ga)
Classification: Benign. Last evaluated: 2017-02-20. Review status: criteria provided, single submitter. Criteria: EGL Classification Definitions 2015. Collection method: clinical testing. Allele origin: germline. Observed: 5 variant alleles, 5 heterozygotes. Not counted in ClinVar's aggregate classification.

Center for Pediatric Genomic Medicine, Children's Mercy Hospital and Clinics
Classification: Uncertain significance. Last evaluated: 2016-04-29. Review status: criteria provided, single submitter. Criteria: ACMG Guidelines, 2015. Collection method: clinical testing. Allele origin: germline. Not counted in ClinVar's aggregate classification.
ClinVar note: Converted during submission from Uncertain Significance to Uncertain significance.

Genetic Services Laboratory, University of Chicago
Classification: Uncertain significance. Last evaluated: 2014-09-16. Review status: criteria provided, single submitter. Criteria: ACMG Guidelines, 2015. Collection method: clinical testing. Allele origin: germline. Not counted in ClinVar's aggregate classification.

Elsea Laboratory, Baylor College of Medicine
Classification: Likely pathogenic for Deficiency of guanidinoacetate methyltransferase. Last evaluated: 2020-04-01. Review status: no assertion criteria provided. Collection method: clinical testing. Allele origin: maternal, paternal. Affected: yes and no. Not counted in ClinVar's aggregate classification.

PreventionGenetics, part of Exact Sciences
Classification: Likely benign for GAMT-related condition. Last evaluated: 2020-01-22. Review status: no assertion criteria provided. Collection method: clinical testing. Allele origin: germline. Not counted in ClinVar's aggregate classification.
Comment: This variant is classified as likely benign based on ACMG/AMP sequence variant interpretation guidelines (Richards et al. 2015 PMID: 25741868, with internal and published modifications).

Natera, Inc.
Classification: Benign for Guanidinoacetate methyltransferase deficiency. Last evaluated: 2020-01-11. Review status: no assertion criteria provided. Collection method: clinical testing. Allele origin: germline. Not counted in ClinVar's aggregate classification.

Centre de Biologie Pathologie Génétique, Centre Hospitalier Universitaire de Lille
Classification: Likely benign for Intellectual disability. Last evaluated: 2019-01-01. Review status: no assertion criteria provided. Collection method: clinical testing. Allele origin: inherited. Affected: yes. Not counted in ClinVar's aggregate classification.

Clinical Genetics DNA and cytogenetics Diagnostics Lab, Erasmus MC, Erasmus Medical Center
Classification: Likely benign. Review status: no assertion criteria provided. Collection method: clinical testing. Allele origin: germline. Affected: yes. Study: VKGL Data-share Consensus. Not counted in ClinVar's aggregate classification.

Genome Diagnostics Laboratory, University Medical Center Utrecht
Classification: Likely benign. Review status: no assertion criteria provided. Collection method: clinical testing. Allele origin: germline. Affected: yes. Study: VKGL Data-share Consensus. Not counted in ClinVar's aggregate classification.

Literature cited by the submitters: PubMed 24415674 (cited by 4 submitters).

NM_000156.6(GAMT):c.79T>C (p.Tyr27His)

Genes: GAMT (guanidinoacetate N-methyltransferase; minus strand), LOC130062945 (ATAC-STARR-seq lymphoblastoid silent region 9707; plus strand). Cytogenetic location: 19p13.3.
Variant type: single nucleotide variant.
Coding change: c.79T>C on transcript NM_000156.6 (MANE Select); coding-DNA position 79, T replaced by C.
Protein change: p.Tyr27His; replaces tyrosine 27 with histidine.
Molecular consequence: missense variant.
Genome position (GRCh38, 1-based): chr19:1,401,398, A>G on the plus strand (T>C on the coding strand, the complement: GAMT is on the minus strand). VCF-style: chr19-1401398-A-G. GRCh37 (hg19) VCF-style: chr19-1401397-A-G.
Other names: p.Y27H:TAC>CAC; NM_000156.6(GAMT):c.79T>C; c.79T>C, p.Tyr27His (NM_138924.3); short protein forms Y27H.
Identifiers: ClinVar variation 167131 (VCV000167131.72), dbSNP rs200833152, ClinGen allele CA295620.